The following is an entry in ClinVar:

ClinVar aggregate classification (germline): Uncertain significance. Review status: criteria provided, multiple submitters, no conflicts (2 of 4 stars). 3 submissions from 3 submitters: Uncertain significance (3). Last evaluated 2025-07-21.

Conditions:
Cardiomyopathy (CMYO). Also called: Cardiomyopathies. Identifiers: Orphanet 167848, MedGen C0878544, MONDO:0004994, HP:0001638. Inheritance: Various modes of inheritance.
Hypertrophic cardiomyopathy. Also called: HYPERTROPHIC MYOCARDIOPATHY. Identifiers: Orphanet 217569, MedGen C0007194, MeSH D002312, MONDO:0005045, HP:0001639.

Submissions (3):

Labcorp Genetics (formerly Invitae), Labcorp
Classification: Uncertain significance for Hypertrophic cardiomyopathy. Last evaluated: 2025-07-21. Review status: criteria provided, single submitter. Criteria: Invitae Variant Classification Sherloc (09022015). Collection method: clinical testing. Allele origin: germline.
Comment: This sequence change creates a premature translational stop signal (p.Tyr109*) in the MYH7 gene. It is expected to result in an absent or disrupted protein product. However, the current clinical and genetic evidence is not sufficient to establish whether loss-of-function variants in MYH7 cause disease. This variant is not present in population databases (gnomAD no frequency). This variant has not been reported in the literature in individuals affected with MYH7-related conditions. ClinVar contains an entry for this variant (Variation ID: 650378). In summary, the available evidence is currently insufficient to determine the role of this variant in disease. Therefore, it has been classified as a Variant of Uncertain Significance.

All of Us Research Program, National Institutes of Health
Classification: Uncertain significance for Cardiomyopathy. Last evaluated: 2023-10-23. Review status: criteria provided, single submitter. Criteria: ACMG Guidelines, 2015. Collection method: clinical testing. Allele origin: germline. Inheritance: Autosomal dominant inheritance. Observed: 1 variant allele, 1 heterozygote.
Comment: This variant changes 1 nucleotide in exon 4 of the MYH7 gene, creating a premature translation stop signal. This variant is expected to result in an absent or non-functional protein product. To our knowledge, this variant has not been reported in individuals affected with MYH7-related disorders in the literature. This variant has not been identified in the general population by the Genome Aggregation Database (gnomAD). Clinical relevance of loss-of-function MYH7 truncation variants in autosomal dominant cardiovascular disorders is not clearly established. The available evidence is insufficient to determine the role of this variant in disease conclusively. Therefore, this variant is classified as a Variant of Uncertain Significance.

This study involves interpretation of variants in research participants for the purpose of population health screening. Participant phenotype was not available at the time of variant classification. Additional details can be found in publication PMID: 35346344, PMCID: PMC8962531

GeneDx
Classification: Uncertain significance. Last evaluated: 2023-09-21. Review status: criteria provided, single submitter. Criteria: GeneDx Variant Classification Process June 2021. Collection method: clinical testing. Allele origin: germline. Affected: yes.
Comment: Not observed at significant frequency in large population cohorts (gnomAD); Has not been previously published as pathogenic or benign to our knowledge; Nonsense variant predicted to result in protein truncation or nonsense mediated decay in a gene for which loss-of-function is not a known mechanism of disease

NM_000257.4(MYH7):c.327C>G (p.Tyr109Ter)

Gene: MYH7 (myosin heavy chain 7; minus strand). Cytogenetic location: 14q11.2.
Variant type: single nucleotide variant.
Coding change: c.327C>G on transcript NM_000257.4 (MANE Select); coding-DNA position 327, C replaced by G.
Protein change: p.Tyr109Ter; replaces tyrosine 109 with a stop codon.
Molecular consequence: nonsense.
Genome position (GRCh38, 1-based): chr14:23,433,102, G>C on the plus strand (C>G on the coding strand, the complement: MYH7 is on the minus strand). VCF-style: chr14-23433102-G-C. GRCh37 (hg19) VCF-style: chr14-23902311-G-C.
Other names: c.327C>G (NM_000257.2); short protein forms Y109*.
Identifiers: ClinVar variation 650378 (VCV000650378.8), dbSNP rs36211408, ClinGen allele CA389053070.